The following is an entry in ClinVar:

NM_001083961.2(WDR62):c.3082+2T>C

Gene: WDR62 (WD repeat domain 62; plus strand). Cytogenetic location: 19q13.12.
Variant type: single nucleotide variant.
Coding change: c.3082+2T>C on transcript NM_001083961.2 (MANE Select); the canonical splice donor site of the intron after coding-DNA position 3082, T replaced by C.
Molecular consequence: splice donor variant. On other transcripts: intron variant (1).
Genome position (GRCh38, 1-based): chr19:36,101,776, T>C. VCF-style: chr19-36101776-T-C. GRCh37 (hg19) VCF-style: chr19-36592678-T-C.
Other names: c.3082+2T>C (NM_173636.5); c.2971+459T>C (NM_001411146.1); c.3067+2T>C (NM_001411145.1); c.2731+2T>C (NM_001411147.1).
Identifiers: ClinVar variation 3010703 (VCV003010703.3), dbSNP rs1213271945, ClinGen allele CA405449756.

ClinVar aggregate classification (germline): Likely pathogenic (1 of 4 stars; one submission).

Allele frequency attached by ClinVar (database versions not stated): gnomAD exomes 0.00001.
gnomAD v4.1: 3 of 1,551,296 alleles (0.00019%); highest among the groups gnomAD compares: East Asian, 0.0073%; no homozygotes.

Submission:

Labcorp Genetics (formerly Invitae), Labcorp
Classification: Likely pathogenic. Last evaluated: 2024-11-18. Review status: criteria provided, single submitter. Criteria: Invitae Variant Classification Sherloc (09022015). Collection method: clinical testing. Allele origin: germline.
Comment: This sequence change affects a donor splice site in intron 25 of the WDR62 gene. It is expected to disrupt RNA splicing. Variants that disrupt the donor or acceptor splice site typically lead to a loss of protein function (PMID: 16199547), and loss-of-function variants in WDR62 are known to be pathogenic (PMID: 20729831). This variant is present in population databases (no rsID available, gnomAD 0.03%). This variant has not been reported in the literature in individuals affected with WDR62-related conditions. ClinVar contains an entry for this variant (Variation ID: 3010703). Algorithms developed to predict the effect of sequence changes on RNA splicing suggest that this variant may disrupt the consensus splice site. In summary, the currently available evidence indicates that the variant is pathogenic, but additional data are needed to prove that conclusively. Therefore, this variant has been classified as Likely Pathogenic.

Literature cited by the submitters: PubMed 16199547; PubMed 20729831.